The following is an entry in ClinVar:

ClinVar aggregate classification (germline): Pathogenic (1 of 4 stars; one submission).

Submission:

Labcorp Genetics (formerly Invitae), Labcorp
Classification: Pathogenic. Last evaluated: 2023-08-10. Review status: criteria provided, single submitter. Criteria: Invitae Variant Classification Sherloc (09022015). Collection method: clinical testing. Allele origin: germline.
Comment: This variant has not been reported in the literature in individuals affected with ASPM-related conditions. For these reasons, this variant has been classified as Pathogenic. This sequence change creates a premature translational stop signal (p.Val1565Leufs*8) in the ASPM gene. It is expected to result in an absent or disrupted protein product. Loss-of-function variants in ASPM are known to be pathogenic (PMID: 19028728, 23611254). This variant is not present in population databases (gnomAD no frequency).

Literature cited by the submitters: PubMed 19028728; PubMed 23611254.

NM_018136.5(ASPM):c.4693del (p.Val1565fs)

Gene: ASPM (assembly factor for spindle microtubules; minus strand). Cytogenetic location: 1q31.3.
Variant type: Deletion.
Coding change: c.4693del on transcript NM_018136.5 (MANE Select); coding-DNA position 4693, one base deleted (G; older notation c.4693delG).
Protein change: p.Val1565fs; shifts the reading frame from valine 1565.
Molecular consequence: frameshift variant. On other transcripts: intron variant (1).
Genome position (GRCh38, 1-based): chr1:197,104,558, C deleted on the plus strand (G on the coding strand, the reverse complement: ASPM is on the minus strand). VCF-style (leftmost placement, unchanged base first): chr1-197104557-AC-A. GRCh37 (hg19) VCF-style: chr1-197073687-AC-A.
Other names: c.4066-8394del (NM_001206846.2); short protein forms V1565fs.
Identifiers: ClinVar variation 2835883 (VCV002835883.3), dbSNP rs2527304656, ClinGen allele CA2739275514.